The following is an entry in ClinVar:

NM_022829.6(SLC13A3):c.767A>G (p.Asn256Ser)

Gene: SLC13A3 (solute carrier family 13 member 3; minus strand). Cytogenetic location: 20q13.12.
Variant type: single nucleotide variant.
Coding change: c.767A>G on transcript NM_022829.6 (MANE Select); coding-DNA position 767, A replaced by G.
Protein change: p.Asn256Ser; replaces asparagine 256 with serine.
Molecular consequence: missense variant.
Genome position (GRCh38, 1-based): chr20:46,596,184, T>C on the plus strand (A>G on the coding strand, the complement: SLC13A3 is on the minus strand). VCF-style: chr20-46596184-T-C. GRCh37 (hg19) VCF-style: chr20-45224823-T-C.
Other names: c.626A>G, p.Asn209Ser (NM_001011554.3, NM_001193340.2); c.700A>G, p.Thr234Ala (NM_001193339.2); c.473A>G, p.Asn158Ser (NM_001193342.2); short protein forms N256S, T234A, N158S, N209S.
Identifiers: ClinVar variation 1430102 (VCV001430102.8), dbSNP rs2122693805, ClinGen allele CA409265439.

ClinVar aggregate classification (germline): Uncertain significance (1 of 4 stars; one submission).

Submission:

Labcorp Genetics (formerly Invitae), Labcorp
Classification: Uncertain significance. Last evaluated: 2024-02-24. Review status: criteria provided, single submitter. Criteria: Invitae Variant Classification Sherloc (09022015). Collection method: clinical testing. Allele origin: germline.
Comment: This sequence change replaces asparagine, which is neutral and polar, with serine, which is neutral and polar, at codon 256 of the SLC13A3 protein (p.Asn256Ser). This variant is not present in population databases (gnomAD no frequency). This variant has not been reported in the literature in individuals affected with SLC13A3-related conditions. ClinVar contains an entry for this variant (Variation ID: 1430102). Advanced modeling of protein sequence and biophysical properties (such as structural, functional, and spatial information, amino acid conservation, physicochemical variation, residue mobility, and thermodynamic stability) has been performed at Invitae for this missense variant, however the output from this modeling did not meet the statistical confidence thresholds required to predict the impact of this variant on SLC13A3 protein function. In summary, the available evidence is currently insufficient to determine the role of this variant in disease. Therefore, it has been classified as a Variant of Uncertain Significance.